The following is an entry in ClinVar:

ClinVar aggregate classification (germline): Benign/Likely benign. Review status: criteria provided, multiple submitters, no conflicts (2 of 4 stars). 3 submissions from 3 submitters: Benign (1); Likely benign (2). Last evaluated 2024-08-22.

Conditions:
Hereditary cancer-predisposing syndrome. Also called: Hereditary neoplastic syndrome; Hereditary Cancer Syndrome; Neoplastic Syndromes, Hereditary; Tumor predisposition. Identifiers: Orphanet 140162, MedGen C0027672, MeSH D009386, MONDO:0015356.
Familial cancer of breast. Also called: hereditary breast carcinoma; Hereditary breast cancer; BREAST CANCER, FAMILIAL. Identifiers: Orphanet 227535, MedGen C0346153, MONDO:0016419, OMIM 114480. Disease mechanism: loss of function.
Fanconi anemia complementation group J. Also called: BRIP1-Related Fanconi Anemia. Identifiers: Orphanet 84, MedGen C1836860, MONDO:0012187, OMIM 609054.

Submissions (3):

Myriad Genetics, Inc.
Classification: Benign for Familial cancer of breast. Last evaluated: 2024-08-22. Review status: criteria provided, single submitter. Criteria: Myriad Autosomal Dominant, Autosomal Recessive and X-Linked Classification Criteria (2023). Collection method: clinical testing. Allele origin: unknown.
Comment: This variant is considered benign. This variant is a silent/synonymous amino acid change and it is not expected to impact splicing.

Labcorp Genetics (formerly Invitae), Labcorp
Classification: Likely benign for Familial cancer of breast; Fanconi anemia complementation group J. Last evaluated: 2024-08-05. Review status: criteria provided, single submitter. Criteria: Invitae Variant Classification Sherloc (09022015). Collection method: clinical testing. Allele origin: germline.

Ambry Genetics
Classification: Likely benign for Hereditary cancer-predisposing syndrome. Last evaluated: 2023-11-14. Review status: criteria provided, single submitter. Criteria: Ambry Variant Classification Scheme 2023. Collection method: clinical testing. Allele origin: germline.

NM_032043.3(BRIP1):c.901T>C (p.Leu301=)

Gene: BRIP1 (BRCA1 interacting DNA helicase 1; minus strand). Cytogenetic location: 17q23.2.
Variant type: single nucleotide variant.
Coding change: c.901T>C on transcript NM_032043.3 (MANE Select); coding-DNA position 901, T replaced by C.
Protein change: p.Leu301=; no amino-acid change (leucine 301 retained).
Molecular consequence: synonymous variant.
Genome position (GRCh38, 1-based): chr17:61,808,484, A>G on the plus strand (T>C on the coding strand, the complement: BRIP1 is on the minus strand). VCF-style: chr17-61808484-A-G. GRCh37 (hg19) VCF-style: chr17-59885845-A-G.
Other names: c.901T>C (NM_032043.2).
Identifiers: ClinVar variation 1607836 (VCV001607836.11), dbSNP rs2145411199, ClinGen allele CA501335377.